The following is an entry in ClinVar:

NM_003482.4(KMT2D):c.9593C>G (p.Pro3198Arg)

Gene: KMT2D (lysine methyltransferase 2D; minus strand). Cytogenetic location: 12q13.12.
Variant type: single nucleotide variant.
Coding change: c.9593C>G on transcript NM_003482.4 (MANE Select); coding-DNA position 9593, C replaced by G.
Protein change: p.Pro3198Arg; replaces proline 3198 with arginine.
Molecular consequence: missense variant.
Genome position (GRCh38, 1-based): chr12:49,037,763, G>C on the plus strand (C>G on the coding strand, the complement: KMT2D is on the minus strand). VCF-style: chr12-49037763-G-C. GRCh37 (hg19) VCF-style: chr12-49431546-G-C.
Other names: short protein forms P3198R.
Identifiers: ClinVar variation 2788946 (VCV002788946.3), dbSNP rs2120485313, ClinGen allele CA384737137.

ClinVar aggregate classification (germline): Uncertain significance (1 of 4 stars; one submission).

Conditions:
Kabuki syndrome. Also called: NIIKAWA-KUROKI SYNDROME; Kabuki make-up syndrome. Identifiers: Orphanet 2322, MedGen C0796004, MONDO:0016512.

gnomAD v4.1: 2 of 1,592,584 alleles (0.00013%); highest among the groups gnomAD compares: South Asian, 0.0011%; no homozygotes.

Submission:

Labcorp Genetics (formerly Invitae), Labcorp
Classification: Uncertain significance for Kabuki syndrome. Last evaluated: 2023-03-08. Review status: criteria provided, single submitter. Criteria: Invitae Variant Classification Sherloc (09022015). Collection method: clinical testing. Allele origin: germline.
Comment: In summary, the available evidence is currently insufficient to determine the role of this variant in disease. Therefore, it has been classified as a Variant of Uncertain Significance. Advanced modeling of protein sequence and biophysical properties (such as structural, functional, and spatial information, amino acid conservation, physicochemical variation, residue mobility, and thermodynamic stability) performed at Invitae indicates that this missense variant is not expected to disrupt KMT2D protein function. This variant has not been reported in the literature in individuals affected with KMT2D-related conditions. This variant is not present in population databases (gnomAD no frequency). This sequence change replaces proline, which is neutral and non-polar, with arginine, which is basic and polar, at codon 3198 of the KMT2D protein (p.Pro3198Arg).